The following is an entry in ClinVar:

NM_013266.4(CTNNA3):c.449A>G (p.His150Arg)

Gene: CTNNA3 (catenin alpha 3; minus strand). Cytogenetic location: 10q21.3.
Variant type: single nucleotide variant.
Coding change: c.449A>G on transcript NM_013266.4 (MANE Select); coding-DNA position 449, A replaced by G.
Protein change: p.His150Arg; replaces histidine 150 with arginine.
Molecular consequence: missense variant.
Genome position (GRCh38, 1-based): chr10:67,539,513, T>C on the plus strand (A>G on the coding strand, the complement: CTNNA3 is on the minus strand). VCF-style: chr10-67539513-T-C. GRCh37 (hg19) VCF-style: chr10-69299271-T-C.
Other names: c.449A>G, p.His150Arg (NM_001127384.3); c.485A>G, p.His162Arg (NM_001291133.2); short protein forms H150R, H162R.
Identifiers: ClinVar variation 698733 (VCV000698733.11), dbSNP rs546550340, ClinGen allele CA5520619.
Genomic context (GRCh38, chr10:67,539,513, plus strand): 5'-AATTAGAAGTGAAGACAATGCCAAGGTAAACTAAGCCATCTTTTACTTACAGCTGACACA[T>C]GTTGCAAGAGGCACATGACATCAATCATGTCCGCAAGGATAAGGAGTCTCGTCACCGCAG-3'
Protein context (NP_037398.2, residues 140-160): DMIDVMCLLQ[His150Arg]VSAFQRTFES

ClinVar aggregate classification (germline): Likely benign. Review status: criteria provided, multiple submitters, no conflicts (2 of 4 stars). 2 submissions from 2 submitters: Likely benign (2). Last evaluated 2025-06-09.

Conditions:
Arrhythmogenic right ventricular dysplasia 13. Also called: ARRHYTHMOGENIC RIGHT VENTRICULAR CARDIOMYOPATHY 13; Arrhythmogenic right ventricular dysplasia, familial, 13. Identifiers: MedGen C3810138, MONDO:0000908, OMIM 615616.

Allele frequency attached by ClinVar (database versions not stated): gnomAD exomes 0.00003 and 0.00016; TOPMed 0.00003; gnomAD 0.00005 and 0.00007; ExAC 0.00010; 1000 Genomes Project 30x 0.00031; 1000 Genomes Project 0.00040.
gnomAD v4.1: 58 of 1,613,286 alleles (0.0036%); highest among the groups gnomAD compares: East Asian, 0.11%; no homozygotes.

Submissions (2):

Labcorp Genetics (formerly Invitae), Labcorp
Classification: Likely benign for Arrhythmogenic right ventricular dysplasia 13. Last evaluated: 2025-06-09. Review status: criteria provided, single submitter. Criteria: Invitae Variant Classification Sherloc (09022015). Collection method: clinical testing. Allele origin: germline.

GeneDx
Classification: Likely benign. Last evaluated: 2020-10-15. Review status: criteria provided, single submitter. Criteria: GeneDx Variant Classification Process June 2021. Collection method: clinical testing. Allele origin: germline. Affected: yes.
Comment: See Variant Classification Assertion Criteria.